The following is an entry in ClinVar:

ClinVar aggregate classification (germline): Conflicting classifications of pathogenicity. Review status: criteria provided, conflicting classifications (1 of 4 stars). 2 submissions from 2 submitters: Uncertain significance (1); Likely benign (1). Last evaluated 2024-03-06.

Conditions:
Familial hypercholesterolemia. Also called: Familial hypercholesterolaemia. Identifiers: MedGen C0020445, MONDO:0005439.
Cardiovascular phenotype. Identifiers: MedGen CN230736.

Allele frequency attached by ClinVar (database versions not stated): gnomAD exomes below 0.00001; TOPMed below 0.00001.
gnomAD v4.1: 1 of 1,613,746 alleles (0.000062%); highest among the groups gnomAD compares: Non-Finnish European, 0.000085%; no homozygotes.

Submissions (2):

Color Diagnostics, LLC DBA Color Health
Classification: Uncertain significance for Familial hypercholesterolemia. Last evaluated: 2024-03-06. Review status: criteria provided, single submitter. Criteria: ACMG Guidelines, 2015. Collection method: clinical testing. Allele origin: germline.
Comment: This missense variant replaces alanine with valine at codon 396 of the PCSK9 protein. Computational prediction suggests that this variant may not impact protein structure and function (internally defined REVEL score threshold <= 0.5, PMID: 27666373). To our knowledge, functional studies have not been reported for this variant. This variant has not been reported in individuals affected with familial hypercholesterolemia in the literature. This variant has not been identified in the general population by the Genome Aggregation Database (gnomAD). The available evidence is insufficient to determine the role of this variant in disease conclusively. Therefore, this variant is classified as a Variant of Uncertain Significance.

Ambry Genetics
Classification: Likely benign for Cardiovascular phenotype. Last evaluated: 2022-03-09. Review status: criteria provided, single submitter. Criteria: Ambry Variant Classification Scheme 2023. Collection method: clinical testing. Allele origin: germline.

NM_174936.4(PCSK9):c.1187C>T (p.Ala396Val)

Gene: PCSK9 (proprotein convertase subtilisin/kexin type 9; plus strand). Cytogenetic location: 1p32.3.
Variant type: single nucleotide variant.
Coding change: c.1187C>T on transcript NM_174936.4 (MANE Select); coding-DNA position 1187, C replaced by T.
Protein change: p.Ala396Val; replaces alanine 396 with valine.
Molecular consequence: missense variant.
Genome position (GRCh38, 1-based): chr1:55,058,042, C>T. VCF-style: chr1-55058042-C-T. GRCh37 (hg19) VCF-style: chr1-55523715-C-T.
Other names: c.1310C>T, p.Ala437Val (NM_001407240.1); c.1187C>T, p.Ala396Val (NM_001407241.1); c.1190C>T, p.Ala397Val (NM_001407242.1); c.1130C>T, p.Ala377Val (NM_001407243.1); c.995C>T, p.Ala332Val (NM_001407245.1); c.812C>T, p.Ala271Val (NM_001407246.1); short protein forms A396V, A271V, A332V, A437V, A377V, A397V.
Identifiers: ClinVar variation 1331791 (VCV001331791.6), dbSNP rs1644729088, ClinGen allele CA340477070.